The following is an entry in ClinVar:

ClinVar aggregate classification (germline): Uncertain significance (1 of 4 stars; one submission).

Submission:

Labcorp Genetics (formerly Invitae), Labcorp
Classification: Uncertain significance. Last evaluated: 2025-10-01. Review status: criteria provided, single submitter. Criteria: Invitae Variant Classification Sherloc (09022015). Collection method: clinical testing. Allele origin: germline.
Comment: This sequence change replaces alanine, which is neutral and non-polar, with valine, which is neutral and non-polar, at codon 1752 of the TRRAP protein (p.Ala1752Val). This variant is not present in population databases (gnomAD no frequency). This variant has not been reported in the literature in individuals affected with TRRAP-related conditions. Invitae Evidence Modeling of protein sequence and biophysical properties (such as structural, functional, and spatial information, amino acid conservation, physicochemical variation, residue mobility, and thermodynamic stability) indicates that this missense variant is not expected to disrupt TRRAP protein function with a negative predictive value of 80%. In summary, the available evidence is currently insufficient to determine the role of this variant in disease. Therefore, it has been classified as a Variant of Uncertain Significance.

NM_001375524.1(TRRAP):c.5330C>T (p.Ala1777Val)

Genes: TRRAP (transformation/transcription domain associated protein; plus strand), LOC126860121 (MED14-independent group 3 enhancer GRCh37_chr7:98547245-98548444; plus strand). Cytogenetic location: 7q22.1.
Variant type: single nucleotide variant.
Coding change: c.5330C>T on transcript NM_001375524.1 (MANE Select); coding-DNA position 5330, C replaced by T.
Protein change: p.Ala1777Val; replaces alanine 1777 with valine.
Molecular consequence: missense variant.
Genome position (GRCh38, 1-based): chr7:98,950,258, C>T. VCF-style: chr7-98950258-C-T. GRCh37 (hg19) VCF-style: chr7-98547881-C-T.
Other names: c.5309C>T, p.Ala1770Val (NM_001244580.2); c.5255C>T, p.Ala1752Val (NM_003496.4); short protein forms A1777V, A1770V, A1752V.
Identifiers: ClinVar variation 4743462 (VCV004743462.1).